The following is an entry in ClinVar:

NM_007194.4(CHEK2):c.1461+8T>C

Gene: CHEK2 (checkpoint kinase 2; minus strand). Cytogenetic location: 22q12.1.
Variant type: single nucleotide variant.
Coding change: c.1461+8T>C on transcript NM_007194.4 (MANE Select); 8 bases into the intron after coding-DNA position 1461, T replaced by C.
Molecular consequence: intron variant.
Genome position (GRCh38, 1-based): chr22:28,694,024, A>G on the plus strand (T>C on the coding strand, the complement: CHEK2 is on the minus strand). VCF-style: chr22-28694024-A-G. GRCh37 (hg19) VCF-style: chr22-29090012-A-G.
Other names: c.798+8T>C (NM_001437942.1, NM_001257387.3); c.1260+8T>C (NM_001349956.3); c.1374+8T>C (NM_145862.3); c.1467+8T>C (NM_001438295.1); c.1554+8T>C (NM_001438293.1); c.1503+8T>C (NM_001438294.1); c.1590+8T>C (NM_001005735.3).
Identifiers: ClinVar variation 384460 (VCV000384460.16), dbSNP rs1057521960, ClinGen allele CA16608630.

ClinVar aggregate classification (germline): Likely benign. Review status: criteria provided, multiple submitters, no conflicts (2 of 4 stars). 4 submissions from 4 submitters: Likely benign (4). Last evaluated 2025-06-01.

Conditions:
Familial cancer of breast. Also called: hereditary breast carcinoma; Hereditary breast cancer; BREAST CANCER, FAMILIAL. Identifiers: Orphanet 227535, MedGen C0346153, MONDO:0016419, OMIM 114480. Disease mechanism: loss of function.
Hereditary cancer-predisposing syndrome. Also called: Hereditary Cancer Syndrome; Hereditary neoplastic syndrome; Neoplastic Syndromes, Hereditary; Tumor predisposition. Identifiers: Orphanet 140162, MedGen C0027672, MeSH D009386, MONDO:0015356.

Submissions (4):

Labcorp Genetics (formerly Invitae), Labcorp
Classification: Likely benign for Familial cancer of breast. Last evaluated: 2025-06-01. Review status: criteria provided, single submitter. Criteria: Invitae Variant Classification Sherloc (09022015). Collection method: clinical testing. Allele origin: germline.

Myriad Genetics, Inc.
Classification: Likely benign for Familial cancer of breast. Last evaluated: 2024-10-08. Review status: criteria provided, single submitter. Criteria: Myriad Autosomal Dominant, Autosomal Recessive and X-Linked Classification Criteria (2023). Collection method: clinical testing. Allele origin: unknown.
Comment: This variant is considered likely benign. This variant is intronic and is not expected to impact mRNA splicing.

Color Diagnostics, LLC DBA Color Health
Classification: Likely benign for Hereditary cancer-predisposing syndrome. Last evaluated: 2017-12-21. Review status: criteria provided, single submitter. Criteria: ACMG Guidelines, 2015. Collection method: clinical testing. Allele origin: germline.

GeneDx
Classification: Likely benign. Last evaluated: 2016-03-02. Review status: criteria provided, single submitter. Criteria: GeneDx Variant Classification (06012015). Collection method: clinical testing. Allele origin: germline. Affected: yes.
Comment: This variant is considered likely benign or benign based on one or more of the following criteria: it is a conservative change, it occurs at a poorly conserved position in the protein, it is predicted to be benign by multiple in silico algorithms, and/or has population frequency not consistent with disease.